The following is an entry in ClinVar:

NM_024426.6(WT1):c.547G>T (p.Gly183Trp)

Genes: WT1 (WT1 transcription factor; minus strand), LOC107982234 (WT1/WT1-AS bi-directional promoter region; plus strand). Cytogenetic location: 11p13.
Variant type: single nucleotide variant.
Coding change: c.547G>T on transcript NM_024426.6 (MANE Select); coding-DNA position 547, G replaced by T.
Protein change: p.Gly183Trp; replaces glycine 183 with tryptophan.
Molecular consequence: missense variant. On other transcripts: non-coding transcript variant (2).
Genome position (GRCh38, 1-based): chr11:32,434,814, C>A on the plus strand (G>T on the coding strand, the complement: WT1 is on the minus strand). VCF-style: chr11-32434814-C-A. GRCh37 (hg19) VCF-style: chr11-32456360-C-A.
Other names: c.547G>T, p.Gly183Trp (NM_001407047.1, NM_001407048.1, NM_001407049.1 and 6 more transcripts); c.328G>T, p.Gly110Trp (NM_001429031.1, NM_001429032.1, NM_001429033.1 and 1 more transcripts); short protein forms G178W, G183W, G110W.
Identifiers: ClinVar variation 4634850 (VCV004634850.1).

ClinVar aggregate classification (germline): Uncertain significance (1 of 4 stars; one submission).

Conditions:
Inborn genetic diseases. Identifiers: MedGen C0950123, MeSH D030342.

gnomAD v4.1: 1 of 1,612,470 alleles (0.000062%); highest among the groups gnomAD compares: Non-Finnish European, 0.000085%; no homozygotes.

Submission:

Ambry Genetics
Classification: Uncertain significance for Inborn genetic diseases. Last evaluated: 2025-10-05. Review status: criteria provided, single submitter. Criteria: Ambry Variant Classification Scheme 2023. Collection method: clinical testing. Allele origin: germline.
Comment: The p.G178W variant (also known as c.532G>T), located in coding exon 1 of the WT1 gene, results from a G to T substitution at nucleotide position 532. The glycine at codon 178 is replaced by tryptophan, an amino acid with highly dissimilar properties. This amino acid position is conserved. In addition, this alteration is predicted to be deleterious by in silico analysis. Based on the available evidence, the clinical significance of this variant remains unclear.